The following is an entry in ClinVar:

ClinVar aggregate classification (germline): Uncertain significance (1 of 4 stars; one submission).

Submission:

Labcorp Genetics (formerly Invitae), Labcorp
Classification: Uncertain significance. Last evaluated: 2022-08-09. Review status: criteria provided, single submitter. Criteria: Invitae Variant Classification Sherloc (09022015). Collection method: clinical testing. Allele origin: germline.
Comment: This sequence change replaces lysine, which is basic and polar, with asparagine, which is neutral and polar, at codon 154 of the LPIN1 protein (p.Lys154Asn). This variant is not present in population databases (gnomAD no frequency). This variant has not been reported in the literature in individuals affected with LPIN1-related conditions. ClinVar contains an entry for this variant (Variation ID: 1520851). Algorithms developed to predict the effect of missense changes on protein structure and function are either unavailable or do not agree on the potential impact of this missense change (SIFT: "Tolerated"; PolyPhen-2: "Probably Damaging"; Align-GVGD: "Class C0"). In summary, the available evidence is currently insufficient to determine the role of this variant in disease. Therefore, it has been classified as a Variant of Uncertain Significance.

NM_001349206.2(LPIN1):c.462G>C (p.Lys154Asn)

Gene: LPIN1 (lipin 1; plus strand). Cytogenetic location: 2p25.1.
Variant type: single nucleotide variant.
Coding change: c.462G>C on transcript NM_001349206.2 (MANE Select); coding-DNA position 462, G replaced by C.
Protein change: p.Lys154Asn; replaces lysine 154 with asparagine.
Molecular consequence: missense variant. On other transcripts: non-coding transcript variant (1).
Genome position (GRCh38, 1-based): chr2:11,771,545, G>C. VCF-style: chr2-11771545-G-C. GRCh37 (hg19) VCF-style: chr2-11911671-G-C.
Other names: c.480G>C, p.Lys160Asn (NM_001261427.3); c.609G>C, p.Lys203Asn (NM_001261428.3, NM_001349208.2); c.462G>C, p.Lys154Asn (NM_001349199.2, NM_001349200.2, NM_001349201.2 and 5 more transcripts); c.552G>C, p.Lys184Asn (NM_001349207.2); short protein forms K203N, K184N, K154N, K160N.
Identifiers: ClinVar variation 1520851 (VCV001520851.6), dbSNP rs2148633572, ClinGen allele CA345852822.
Genomic context (GRCh38, chr2:11,771,545, plus strand): 5'-CACGCCAGCCCAAGTGATCGCTCCCAGCGAGACGCCGTCAAGCAGCTCTGTAGTAAAGAA[G>C]AGAAGAAAAAGGAGGAGAAAGTCACAGCTGGACAGCCTGAAGAGAGATGACAACATGAAC-3'
Protein context (NP_001336135.1, residues 144-164): ETPSSSSVVK[Lys154Asn]RRKRRRKSQL